The following is an entry in ClinVar:

NM_032634.4(PIGO):c.3098T>C (p.Ile1033Thr)

Gene: PIGO (phosphatidylinositol glycan anchor biosynthesis class O; minus strand). Cytogenetic location: 9p13.3.
Variant type: single nucleotide variant.
Coding change: c.3098T>C on transcript NM_032634.4 (MANE Select); coding-DNA position 3098, T replaced by C.
Protein change: p.Ile1033Thr; replaces isoleucine 1033 with threonine.
Molecular consequence: missense variant.
Genome position (GRCh38, 1-based): chr9:35,089,422, A>G on the plus strand (T>C on the coding strand, the complement: PIGO is on the minus strand). VCF-style: chr9-35089422-A-G. GRCh37 (hg19) VCF-style: chr9-35089419-A-G.
Other names: c.1847T>C, p.Ile616Thr (NM_001201484.2, NM_152850.4); short protein forms I616T, I1033T.
Identifiers: ClinVar variation 643744 (VCV000643744.8), dbSNP rs1587155838, ClinGen allele CA373317361.

ClinVar aggregate classification (germline): Uncertain significance (1 of 4 stars; one submission).

Conditions:
Hyperphosphatasia with impaired intellectual development syndrome 2. Also called: Hyperphosphatasia with intellectual disability syndrome 2; GLYCOSYLPHOSPHATIDYLINOSITOL BIOSYNTHESIS DEFECT 6. Identifiers: Orphanet 247262, MedGen C3553637, MONDO:0013882, OMIM 614749.

Allele frequency attached by ClinVar (database versions not stated): gnomAD exomes below 0.00001.

Submission:

Labcorp Genetics (formerly Invitae), Labcorp
Classification: Uncertain significance for Hyperphosphatasia with impaired intellectual development syndrome 2. Last evaluated: 2018-11-27. Review status: criteria provided, single submitter. Criteria: Invitae Variant Classification Sherloc (09022015). Collection method: clinical testing. Allele origin: germline.
Comment: In summary, the available evidence is currently insufficient to determine the role of this variant in disease. Therefore, it has been classified as a Variant of Uncertain Significance. Algorithms developed to predict the effect of missense changes on protein structure and function are either unavailable or do not agree on the potential impact of this missense change (SIFT: "Tolerated"; PolyPhen-2: "Possibly Damaging"; Align-GVGD: "Class C0"). This variant has not been reported in the literature in individuals with PIGO-related conditions. This variant is not present in population databases (ExAC no frequency). This sequence change replaces isoleucine with threonine at codon 1033 of the PIGO protein (p.Ile1033Thr). The isoleucine residue is highly conserved and there is a moderate physicochemical difference between isoleucine and threonine.